The following is an entry in ClinVar:

ClinVar aggregate classification (germline): Uncertain significance (1 of 4 stars; one submission).

Submission:

GeneDx
Classification: Uncertain significance. Last evaluated: 2025-07-20. Review status: criteria provided, single submitter. Criteria: GeneDx Variant Classification Process June 2021. Collection method: clinical testing. Allele origin: germline. Affected: yes.
Comment: Not observed at significant frequency in large population cohorts (gnomAD); In silico analysis suggests that this missense variant does not alter protein structure/function; Has not been previously published as pathogenic or benign to our knowledge

NM_003413.4(ZIC3):c.1389C>A (p.Asn463Lys)

Gene: ZIC3 (Zic family zinc finger 3; plus strand). Cytogenetic location: Xq26.3.
Variant type: single nucleotide variant.
Coding change: c.1389C>A on transcript NM_003413.4 (MANE Select); coding-DNA position 1389, C replaced by A.
Protein change: p.Asn463Lys; replaces asparagine 463 with lysine.
Molecular consequence: missense variant. On other transcripts: intron variant (1).
Genome position (GRCh38, 1-based): chrX:137,570,055, C>A. VCF-style: chrX-137570055-C-A. GRCh37 (hg19) VCF-style: chrX-136652214-C-A.
Other names: c.1224+990C>A (NM_001330661.1); short protein forms N463K.
Identifiers: ClinVar variation 4686837 (VCV004686837.1).